The following is an entry in ClinVar:

NM_022834.5(VWA1):c.189A>G (p.Pro63=)

Gene: VWA1 (von Willebrand factor A domain containing 1; plus strand). Cytogenetic location: 1p36.33.
Variant type: single nucleotide variant.
Coding change: c.189A>G on transcript NM_022834.5 (MANE Select); coding-DNA position 189, A replaced by G.
Protein change: p.Pro63=; no amino-acid change (proline 63 retained).
Molecular consequence: synonymous variant. On other transcripts: intron variant (1).
Genome position (GRCh38, 1-based): chr1:1,437,042, A>G. VCF-style: chr1-1437042-A-G. GRCh37 (hg19) VCF-style: chr1-1372422-A-G.
Other names: c.74-280A>G (NM_199121.3).
Identifiers: ClinVar variation 4821325 (VCV004821325.4).

ClinVar aggregate classification (germline): Likely benign (1 of 4 stars; one submission).

Submission:

CeGaT Center for Human Genetics Tuebingen
Classification: Likely benign. Last evaluated: 2026-01-01. Review status: criteria provided, single submitter. Criteria: CeGaT Center For Human Genetics Tuebingen Variant Classification Criteria Version 2. Collection method: clinical testing. Allele origin: germline. Affected: yes. Observed: 1 variant allele.
Comment: VWA1: BP4, BP7